The following is an entry in ClinVar:

ClinVar aggregate classification (germline): Uncertain significance (1 of 4 stars; one submission).

Conditions:
Oculofaciocardiodental syndrome (MCOPS2). Identifiers: Orphanet 2712, MedGen C1846265, MONDO:0010261, OMIM 300166.

Submission:

Foundation for Research in Genetics and Endocrinology, FRIGE's Institute of Human Genetics
Classification: Uncertain significance for Oculofaciocardiodental syndrome. Last evaluated: 2024-05-01. Review status: criteria provided, single submitter. Criteria: ACMG Guidelines, 2015. Collection method: clinical testing. Allele origin: germline. Inheritance: X-linked dominant inheritance. Affected: yes. Observed: 1 heterozygote.
Comment: A heterozygous missense variant in exon 4 of the BCOR gene that results in the amino acid substitution of Phenylalanine for Isoleucine at codon 554 (p.Ile554Phe) was detected. This variant has not been reported in the 1000 genomes, gnomAD (v3.1), gnomAD (v2.1) and topmed databases. The in silico prediction of the variant is damaging by SIFT. The reference codon is conserved across species. In summary, the variant meets our criteria to be classified as variant of uncertain significance.

NM_001123385.2(BCOR):c.1660A>T (p.Ile554Phe)

Gene: BCOR (BCL6 corepressor; minus strand). Cytogenetic location: Xp11.4.
Variant type: single nucleotide variant.
Coding change: c.1660A>T on transcript NM_001123385.2 (MANE Select); coding-DNA position 1660, A replaced by T.
Protein change: p.Ile554Phe; replaces isoleucine 554 with phenylalanine.
Molecular consequence: missense variant.
Genome position (GRCh38, 1-based): chrX:40,073,686, T>A on the plus strand (A>T on the coding strand, the complement: BCOR is on the minus strand). VCF-style: chrX-40073686-T-A. GRCh37 (hg19) VCF-style: chrX-39932939-T-A.
Other names: p.Ile554Phe; c.1660A>T, p.Ile554Phe (NM_001123383.2, NM_001123384.2, NM_017745.6); short protein forms I554F.
Identifiers: ClinVar variation 3237369 (VCV003237369.2), dbSNP rs2520008871.
Genomic context (GRCh38, chrX:40,073,686, plus strand): 5'-GGGCGGGTGATGCGGAGGCTGGGCGGCCTGCACTCGACACTGACCCTGAAACGTTAGTGA[T>A]GACAGCATCGGTGCCGCCCATGCGCGGGCATGATGAACTCCGCTGCTGTGGTATCGCCCA-3'
Protein context (NP_001116857.1, residues 544-564): CPRMGGTDAV[Ile554Phe]TNVSGSVSSA